The following is an entry in ClinVar:

NM_001040113.2(MYH11):c.644C>T (p.Ser215Phe)

Gene: MYH11 (myosin heavy chain 11; minus strand). Cytogenetic location: 16p13.11.
Variant type: single nucleotide variant.
Coding change: c.644C>T on transcript NM_001040113.2 (MANE Plus Clinical); coding-DNA position 644, C replaced by T.
Protein change: p.Ser215Phe; replaces serine 215 with phenylalanine.
Molecular consequence: missense variant. On other transcripts: intron variant (2).
Genome position (GRCh38, 1-based): chr16:15,784,708, G>A on the plus strand (C>T on the coding strand, the complement: MYH11 is on the minus strand). VCF-style: chr16-15784708-G-A. GRCh37 (hg19) VCF-style: chr16-15878565-G-A.
Other names: c.644C>T, p.Ser215Phe (NM_001040114.2); c.633+1922C>T (NM_002474.3, NM_022844.3); short protein forms S215F.
Identifiers: ClinVar variation 2773871 (VCV002773871.2), dbSNP rs2042428776, ClinGen allele CA394872422.
Genomic context (GRCh38, chr16:15,784,708, plus strand): 5'-TTCACTCCGTGCCTCCCCTACACACCAGGAAAACACTCTCAGTTACTCACGTAGGCAAAA[G>A]ATGGGCCTTGCTGTGGTTGAACAACACAGTATAAAACAAATGTCAGCGTTATTTCCATCA-3'
Protein context (NP_001035202.1, residues 205-225): KKDTSITQGP[Ser215Phe]FAYGELEKQL

ClinVar aggregate classification (germline): Uncertain significance (1 of 4 stars; one submission).

Conditions:
Familial thoracic aortic aneurysm and aortic dissection (TAAD). Also called: Thoracic aortic aneurysms and dissections. Identifiers: Orphanet 91387, MedGen C4707243, MONDO:0019625.

Submission:

Color Diagnostics, LLC DBA Color Health
Classification: Uncertain significance for Familial thoracic aortic aneurysm and aortic dissection. Last evaluated: 2024-03-06. Review status: criteria provided, single submitter. Criteria: ACMG Guidelines, 2015. Collection method: clinical testing. Allele origin: germline.
Comment: This missense variant replaces serine with phenylalanine at codon 215 of the MYH11 protein. Computational prediction suggests that this variant may not impact protein structure and function (internally defined REVEL score threshold <= 0.5, PMID: 27666373). To our knowledge, functional studies have not been reported for this variant. This variant has not been reported in individuals affected with cardiovascular disorders in the literature. This variant has not been identified in the general population by the Genome Aggregation Database (gnomAD). The available evidence is insufficient to determine the role of this variant in disease conclusively. Therefore, this variant is classified as a Variant of Uncertain Significance.